The following is an entry in ClinVar:

ClinVar aggregate classification (germline): Likely benign (0 of 4 stars; one submission).

Conditions:
PLXNA1-related disorder. Also called: PLXNA1-related condition.

Allele frequency attached by ClinVar (database versions not stated): TOPMed 0.00002; ExAC 0.00003; ESP Exome Variant Server 0.00008; gnomAD 0.00001; gnomAD exomes 0.00002.
gnomAD v4.1: 36 of 1,602,262 alleles (0.0022%); highest among the groups gnomAD compares: Non-Finnish European, 0.0028%; no homozygotes.

Submission:

PreventionGenetics, part of Exact Sciences
Classification: Likely benign for PLXNA1-related condition. Last evaluated: 2021-08-27. Review status: no assertion criteria provided. Collection method: clinical testing. Allele origin: germline.
Comment: This variant is classified as likely benign based on ACMG/AMP sequence variant interpretation guidelines (Richards et al. 2015 PMID: 25741868, with internal and published modifications).

NM_032242.4(PLXNA1):c.1998-7C>T

Gene: PLXNA1 (plexin A1; plus strand). Cytogenetic location: 3q21.3.
Variant type: single nucleotide variant.
Coding change: c.1998-7C>T on transcript NM_032242.4 (MANE Select); 7 bases into the intron before coding-DNA position 1998, C replaced by T.
Molecular consequence: intron variant.
Genome position (GRCh38, 1-based): chr3:127,007,792, C>T. VCF-style: chr3-127007792-C-T. GRCh37 (hg19) VCF-style: chr3-126726635-C-T.
Identifiers: ClinVar variation 3054577 (VCV003054577.2), dbSNP rs367868997, ClinGen allele CA2593473.